The following is an entry in ClinVar:

ClinVar aggregate classification (germline): Uncertain significance (1 of 4 stars; one submission).

Allele frequency attached by ClinVar (database versions not stated): gnomAD exomes below 0.00001.

Submission:

GeneDx
Classification: Uncertain significance. Last evaluated: 2021-01-18. Review status: criteria provided, single submitter. Criteria: GeneDx Variant Classification Process June 2021. Collection method: clinical testing. Allele origin: germline. Affected: yes.
Comment: Not observed at a significant frequency in large population cohorts (Lek et al., 2016); In silico analysis supports that this missense variant does not alter protein structure/function; Has not been previously published as pathogenic or benign to our knowledge

NM_018896.5(CACNA1G):c.2194A>G (p.Ile732Val)

Gene: CACNA1G (calcium voltage-gated channel subunit alpha1 G; plus strand). Cytogenetic location: 17q21.33.
Variant type: single nucleotide variant.
Coding change: c.2194A>G on transcript NM_018896.5 (MANE Select); coding-DNA position 2194, A replaced by G.
Protein change: p.Ile732Val; replaces isoleucine 732 with valine.
Molecular consequence: missense variant. On other transcripts: non-coding transcript variant (5).
Genome position (GRCh38, 1-based): chr17:50,578,457, A>G. VCF-style: chr17-50578457-A-G. GRCh37 (hg19) VCF-style: chr17-48655818-A-G.
Other names: c.2194A>G, p.Ile732Val (NM_001256324.2, NM_001256325.2, NM_001256326.2 and 24 more transcripts); short protein forms I732V.
Identifiers: ClinVar variation 1304388 (VCV001304388.2), dbSNP rs1460287041, ClinGen allele CA400243098.